The following is an entry in ClinVar:

NM_000501.4(ELN):c.2131+14C>T

Gene: ELN (elastin; plus strand). Cytogenetic location: 7q11.23.
Variant type: single nucleotide variant.
Coding change: c.2131+14C>T on transcript NM_000501.4 (MANE Select); 14 bases into the intron after coding-DNA position 2131, C replaced by T.
Molecular consequence: intron variant.
Genome position (GRCh38, 1-based): chr7:74,066,790, C>T. VCF-style: chr7-74066790-C-T. GRCh37 (hg19) VCF-style: chr7-73481120-C-T.
Other names: c.2092+14C>T (NM_001081754.3); c.2035+14C>T (NM_001081753.3); c.2317+14C>T (NM_001278939.2); c.2149+14C>T (NM_001278915.2); c.2077+14C>T (NM_001278912.2); c.2074+14C>T (NM_001081755.3); c.1933+14C>T (NM_001278916.2); c.1888+14C>T (NM_001278913.2); and 4 more.
Identifiers: ClinVar variation 911185 (VCV000911185.8), dbSNP rs782790041, ClinGen allele CA4293407.

ClinVar aggregate classification (germline): Conflicting classifications of pathogenicity. Review status: criteria provided, conflicting classifications (1 of 4 stars). 4 submissions from 3 submitters: Uncertain significance (1); Likely benign (3). Last evaluated 2024-03-25.

Conditions:
Cutis laxa, autosomal dominant 1 (ADCL1). Also called: ELN-Related Cutis Laxa. Identifiers: Orphanet 90348, MedGen C3276539, MONDO:0007411, OMIM 123700. Disease mechanism: Dominant Negative.
Supravalvar aortic stenosis (SVAS). Also called: Supravalvar aortic stenosis, Eisenberg type. Identifiers: Orphanet 3193, MedGen C0003499, MONDO:0008504, OMIM 185500, HP:0004381.

Allele frequency attached by ClinVar (database versions not stated): gnomAD exomes 0.00001 and 0.00002; gnomAD 0.00002 and 0.00003; ExAC 0.00003; TOPMed 0.00003.
gnomAD v4.1: 16 of 1,612,998 alleles (0.00099%); highest among the groups gnomAD compares: East Asian, 0.031%; no homozygotes.

Submissions (4):

Blueprint Genetics
Classification: Likely benign. Last evaluated: 2024-03-25. Review status: criteria provided, single submitter. Criteria: ACMG Guidelines, 2015. Collection method: clinical testing. Allele origin: germline.

Labcorp Genetics (formerly Invitae), Labcorp
Classification: Likely benign for Supravalvar aortic stenosis. Last evaluated: 2023-05-08. Review status: criteria provided, single submitter. Criteria: Invitae Variant Classification Sherloc (09022015). Collection method: clinical testing. Allele origin: germline.

Illumina Laboratory Services, Illumina
Classification: Likely benign for Cutis laxa, autosomal dominant 1. Last evaluated: 2018-01-12. Review status: criteria provided, single submitter. Criteria: ICSL Variant Classification Criteria 13 December 2019. Collection method: clinical testing. Allele origin: germline.
Comment: This variant was observed in the ICSL laboratory as part of a predisposition screen in an ostensibly healthy population. It had not been previously curated by ICSL or reported in the Human Gene Mutation Database (HGMD: prior to June 1st, 2018), and was therefore a candidate for classification through an automated scoring system. Utilizing variant allele frequency, disease prevalence and penetrance estimates, and inheritance mode, an automated score was calculated to assess if this variant is too frequent to cause the disease. Based on the score and internal cut-off values, a variant classified as likely benign is not then subjected to further curation. The score for this variant resulted in a classification of likely benign for this disease.

Illumina Laboratory Services, Illumina
Classification: Uncertain significance for Supravalvar aortic stenosis. Last evaluated: 2018-01-12. Review status: criteria provided, single submitter. Criteria: ICSL Variant Classification Criteria 13 December 2019. Collection method: clinical testing. Allele origin: germline.